The following is an entry in ClinVar:

ClinVar aggregate classification (germline): Uncertain significance (1 of 4 stars; one submission).

Conditions:
Familial acute necrotizing encephalopathy (IIAE3). Also called: ENCEPHALOPATHY, ACUTE, INFECTION-INDUCED, SUSCEPTIBILITY TO, 3; Susceptibility to Acute Necrotizing Encephalopathy 1. Identifiers: Orphanet 88619, MedGen C2675556, MONDO:0011953, OMIM 608033.

Submission:

Labcorp Genetics (formerly Invitae), Labcorp
Classification: Uncertain significance for Familial acute necrotizing encephalopathy. Last evaluated: 2020-10-09. Review status: criteria provided, single submitter. Criteria: Invitae Variant Classification Sherloc (09022015). Collection method: clinical testing. Allele origin: germline.
Comment: This sequence change replaces lysine with glutamic acid at codon 225 of the RANBP2 protein (p.Lys225Glu). The lysine residue is highly conserved and there is a small physicochemical difference between lysine and glutamic acid. This variant is not present in population databases (ExAC no frequency). In summary, the available evidence is currently insufficient to determine the role of this variant in disease. Therefore, it has been classified as a Variant of Uncertain Significance. Algorithms developed to predict the effect of missense changes on protein structure and function output the following: SIFT: "Deleterious"; PolyPhen-2: "Benign"; Align-GVGD: "Class C55". The glutamic acid amino acid residue is found in multiple mammalian species, suggesting that this missense change does not adversely affect protein function. These predictions have not been confirmed by published functional studies and their clinical significance is uncertain. This variant has not been reported in the literature in individuals with RANBP2-related conditions.

NM_006267.5(RANBP2):c.673A>G (p.Lys225Glu)

Gene: RANBP2 (RAN binding protein 2; plus strand). Cytogenetic location: 2q13.
Variant type: single nucleotide variant.
Coding change: c.673A>G on transcript NM_006267.5 (MANE Select); coding-DNA position 673, A replaced by G.
Protein change: p.Lys225Glu; replaces lysine 225 with glutamic acid.
Molecular consequence: missense variant.
Genome position (GRCh38, 1-based): chr2:108,736,140, A>G. VCF-style: chr2-108736140-A-G. GRCh37 (hg19) VCF-style: chr2-109352596-A-G.
Other names: short protein forms K225E.
Identifiers: ClinVar variation 1022978 (VCV001022978.5), dbSNP rs1695563052, ClinGen allele CA348041517.